The following is an entry in ClinVar:

NM_001365088.1(SLC12A6):c.2569G>A (p.Val857Met)

Genes: SLC12A6 (solute carrier family 12 member 6; minus strand), LOC126862097 (P300/CBP strongly-dependent group 1 enhancer GRCh37_chr15:34531007-34532206; plus strand). Cytogenetic location: 15q14.
Variant type: single nucleotide variant.
Coding change: c.2569G>A on transcript NM_001365088.1 (MANE Select); coding-DNA position 2569, G replaced by A.
Protein change: p.Val857Met; replaces valine 857 with methionine.
Molecular consequence: missense variant.
Genome position (GRCh38, 1-based): chr15:34,239,028, C>T on the plus strand (G>A on the coding strand, the complement: SLC12A6 is on the minus strand). VCF-style: chr15-34239028-C-T. GRCh37 (hg19) VCF-style: chr15-34531229-C-T.
Other names: c.2392G>A, p.Val798Met (NM_001042494.2, NM_001042495.2); c.2542G>A, p.Val848Met (NM_001042496.2); c.2524G>A, p.Val842Met (NM_001042497.2); c.2416G>A, p.Val806Met (NM_005135.2); c.2569G>A, p.Val857Met (NM_133647.2); short protein forms V806M, V857M, V798M, V848M, V842M.
Identifiers: ClinVar variation 1445613 (VCV001445613.3), dbSNP rs2140653844, ClinGen allele CA391619229.

ClinVar aggregate classification (germline): Uncertain significance (1 of 4 stars; one submission).

Submission:

Labcorp Genetics (formerly Invitae), Labcorp
Classification: Uncertain significance. Last evaluated: 2021-10-27. Review status: criteria provided, single submitter. Criteria: Invitae Variant Classification Sherloc (09022015). Collection method: clinical testing. Allele origin: germline.
Comment: This sequence change replaces valine, which is neutral and non-polar, with methionine, which is neutral and non-polar, at codon 857 of the SLC12A6 protein (p.Val857Met). This variant is not present in population databases (gnomAD no frequency). This variant has not been reported in the literature in individuals affected with SLC12A6-related conditions. Advanced modeling of protein sequence and biophysical properties (such as structural, functional, and spatial information, amino acid conservation, physicochemical variation, residue mobility, and thermodynamic stability) performed at Invitae indicates that this missense variant is not expected to disrupt SLC12A6 protein function. In summary, the available evidence is currently insufficient to determine the role of this variant in disease. Therefore, it has been classified as a Variant of Uncertain Significance.